The following is an entry in ClinVar:

NM_015466.4(PTPN23):c.1886C>G (p.Ala629Gly)

Gene: PTPN23 (protein tyrosine phosphatase non-receptor type 23; plus strand). Cytogenetic location: 3p21.31.
Variant type: single nucleotide variant.
Coding change: c.1886C>G on transcript NM_015466.4 (MANE Select); coding-DNA position 1886, C replaced by G.
Protein change: p.Ala629Gly; replaces alanine 629 with glycine.
Molecular consequence: missense variant.
Genome position (GRCh38, 1-based): chr3:47,409,505, C>G. VCF-style: chr3-47409505-C-G. GRCh37 (hg19) VCF-style: chr3-47450995-C-G.
Other names: c.1508C>G, p.Ala503Gly (NM_001304482.2); c.1886C>G (NM_015466.2); short protein forms A503G, A629G.
Identifiers: ClinVar variation 1352955 (VCV001352955.6), dbSNP rs780485797, ClinGen allele CA2365847.

ClinVar aggregate classification (germline): Uncertain significance. Review status: criteria provided, multiple submitters, no conflicts (2 of 4 stars). 2 submissions from 2 submitters: Uncertain significance (2). Last evaluated 2022-10-31.

Conditions:
Inborn genetic diseases. Identifiers: MedGen C0950123, MeSH D030342.

Allele frequency attached by ClinVar (database versions not stated): TOPMed 0.00001; gnomAD 0.00003.
gnomAD v4.1: 129 of 1,614,118 alleles (0.008%); highest among the groups gnomAD compares: South Asian, 0.13%; 1 homozygote.

Submissions (2):

Labcorp Genetics (formerly Invitae), Labcorp
Classification: Uncertain significance. Last evaluated: 2022-10-31. Review status: criteria provided, single submitter. Criteria: Invitae Variant Classification Sherloc (09022015). Collection method: clinical testing. Allele origin: germline.
Comment: This sequence change replaces alanine, which is neutral and non-polar, with glycine, which is neutral and non-polar, at codon 629 of the PTPN23 protein (p.Ala629Gly). This variant is present in population databases (rs780485797, gnomAD 0.1%). This variant has not been reported in the literature in individuals affected with PTPN23-related conditions. ClinVar contains an entry for this variant (Variation ID: 1352955). Algorithms developed to predict the effect of missense changes on protein structure and function are either unavailable or do not agree on the potential impact of this missense change (SIFT: "Deleterious"; PolyPhen-2: "Not Available"; Align-GVGD: "Class C0"). In summary, the available evidence is currently insufficient to determine the role of this variant in disease. Therefore, it has been classified as a Variant of Uncertain Significance.

Ambry Genetics
Classification: Uncertain significance for Inborn genetic diseases. Last evaluated: 2021-04-29. Review status: criteria provided, single submitter. Criteria: Ambry Variant Classification Scheme 2023. Collection method: clinical testing. Allele origin: germline.